The following is an entry in ClinVar:

ClinVar aggregate classification (germline): Uncertain significance (1 of 4 stars; one submission).

Submission:

GeneDx
Classification: Uncertain significance. Last evaluated: 2026-04-22. Review status: criteria provided, single submitter. Criteria: GeneDx Variant Classification Process June 2021. Collection method: clinical testing. Allele origin: germline.
Comment: Not observed at significant frequency in large population cohorts (gnomAD); In silico analysis supports that this missense variant has a deleterious effect on protein structure/function; Has not been previously published as pathogenic or benign to our knowledge

NM_004415.4(DSP):c.7468T>A (p.Tyr2490Asn)

Gene: DSP (desmoplakin; plus strand). Cytogenetic location: 6p24.3.
Variant type: single nucleotide variant.
Coding change: c.7468T>A on transcript NM_004415.4 (MANE Select); coding-DNA position 7468, T replaced by A.
Protein change: p.Tyr2490Asn; replaces tyrosine 2490 with asparagine.
Molecular consequence: missense variant.
Genome position (GRCh38, 1-based): chr6:7,584,730, T>A. VCF-style: chr6-7584730-T-A. GRCh37 (hg19) VCF-style: chr6-7584963-T-A.
Other names: c.5671T>A, p.Tyr1891Asn (NM_001008844.3); c.6139T>A, p.Tyr2047Asn (NM_001319034.2); short protein forms Y1891N, Y2047N, Y2490N.
Identifiers: ClinVar variation 5037436 (VCV005037436.1).